The following is an entry in ClinVar:

NM_015690.5(STK36):c.1489C>G (p.Arg497Gly)

Gene: STK36 (serine/threonine kinase 36; plus strand). Cytogenetic location: 2q35.
Variant type: single nucleotide variant.
Coding change: c.1489C>G on transcript NM_015690.5 (MANE Select); coding-DNA position 1489, C replaced by G.
Protein change: p.Arg497Gly; replaces arginine 497 with glycine.
Molecular consequence: missense variant.
Genome position (GRCh38, 1-based): chr2:218,688,805, C>G. VCF-style: chr2-218688805-C-G. GRCh37 (hg19) VCF-style: chr2-219553528-C-G.
Other names: c.1489C>G, p.Arg497Gly (NM_001243313.2, NM_001369423.1); short protein forms R497G.
Identifiers: ClinVar variation 1154598 (VCV001154598.30), dbSNP rs146493276, ClinGen allele CA2110816.

ClinVar aggregate classification (germline): Likely benign. Review status: criteria provided, multiple submitters, no conflicts (2 of 4 stars). 3 submissions from 3 submitters: Likely benign (3). Last evaluated 2024-09-20.

Allele frequency attached by ClinVar (database versions not stated): ESP Exome Variant Server 0.00031; gnomAD 0.00056 and 0.00060.
gnomAD v4.1: 1,342 of 1,613,804 alleles (0.083%); highest among the groups gnomAD compares: Non-Finnish European, 0.1%; 1 homozygote.

Submissions (3):

Blueprint Genetics
Classification: Likely benign. Last evaluated: 2024-09-20. Review status: criteria provided, single submitter. Criteria: ACMG Guidelines, 2015. Collection method: clinical testing. Allele origin: germline.

CeGaT Center for Human Genetics Tuebingen
Classification: Likely benign. Last evaluated: 2022-10-01. Review status: criteria provided, single submitter. Criteria: CeGaT Center For Human Genetics Tuebingen Variant Classification Criteria Version 2. Collection method: clinical testing. Allele origin: germline. Affected: yes. Observed: 1 variant allele.
Comment: STK36: BP4

Labcorp Genetics (formerly Invitae), Labcorp
Classification: Likely benign. Last evaluated: 2019-12-07. Review status: criteria provided, single submitter. Criteria: Invitae Variant Classification Sherloc (09022015). Collection method: clinical testing. Allele origin: germline.